The following is an entry in ClinVar:

NM_000321.3(RB1):c.1696-6A>C

Gene: RB1 (RB transcriptional corepressor 1; plus strand). Cytogenetic location: 13q14.2.
Variant type: single nucleotide variant.
Coding change: c.1696-6A>C on transcript NM_000321.3 (MANE Select); 6 bases into the intron before coding-DNA position 1696, A replaced by C.
Molecular consequence: intron variant.
Genome position (GRCh38, 1-based): chr13:48,452,987, A>C. VCF-style: chr13-48452987-A-C. GRCh37 (hg19) VCF-style: chr13-49027123-A-C.
Other names: c.1696-6A>C (NM_001407165.1).
Identifiers: ClinVar variation 4875967 (VCV004875967.1).
Genomic context (GRCh38, chr13:48,452,987, plus strand): 5'-TTTTGATATGTACCTGGGAAAATTATGCTTACTAATGTGGTTTTAATTTCATCATGTTTC[A>C]TATAGGATTCACCTTTATTTGATCTTATTAAACAATCAAAGGACCGAGAAGGACCAACTG-3'

ClinVar aggregate classification (germline): Likely benign (1 of 4 stars; one submission).

Conditions:
Retinoblastoma (RB1). Also called: RETINOBLASTOMA, SOMATIC. Identifiers: Orphanet 790, MedGen C0035335, MeSH D012175, MONDO:0008380, OMIM 180200, HP:0009919. Disease mechanism: loss of function. Inheritance: Both sporadic and heritable forms are tested..

Submission:

Myriad Genetics, Inc.
Classification: Likely benign for Retinoblastoma. Last evaluated: 2026-06-22. Review status: criteria provided, single submitter. Criteria: Myriad Autosomal Dominant, Autosomal Recessive and X-Linked Classification Criteria (2023). Collection method: clinical testing. Allele origin: unknown.
Comment: This variant is considered likely benign. This variant is intronic and is not expected to impact mRNA splicing.